The following is an entry in ClinVar:

ClinVar aggregate classification (germline): Uncertain significance (1 of 4 stars; one submission).

Conditions:
Inborn genetic diseases. Identifiers: MedGen C0950123, MeSH D030342.

gnomAD v4.1: 4 of 1,608,750 alleles (0.00025%); highest among the groups gnomAD compares: Non-Finnish European, 0.00034%; no homozygotes.

Submission:

Ambry Genetics
Classification: Uncertain significance for Inborn genetic diseases. Last evaluated: 2025-09-22. Review status: criteria provided, single submitter. Criteria: Ambry Variant Classification Scheme 2023. Collection method: clinical testing. Allele origin: germline.
Comment: The p.N185S variant (also known as c.554A>G), located in coding exon 4 of the HAX1 gene, results from an A to G substitution at nucleotide position 554. The asparagine at codon 185 is replaced by serine, an amino acid with highly similar properties. This amino acid position is conserved. In addition, this alteration is predicted to be tolerated by in silico analysis. Based on the available evidence, the clinical significance of this variant remains unclear.

NM_006118.4(HAX1):c.554A>G (p.Asn185Ser)

Gene: HAX1 (HCLS1 associated protein X-1; plus strand). Cytogenetic location: 1q21.3.
Variant type: single nucleotide variant.
Coding change: c.554A>G on transcript NM_006118.4 (MANE Select); coding-DNA position 554, A replaced by G.
Protein change: p.Asn185Ser; replaces asparagine 185 with serine.
Molecular consequence: missense variant.
Genome position (GRCh38, 1-based): chr1:154,274,999, A>G. VCF-style: chr1-154274999-A-G. GRCh37 (hg19) VCF-style: chr1-154247475-A-G.
Other names: c.410A>G, p.Asn137Ser (NM_001018837.2); short protein forms N137S, N185S.
Identifiers: ClinVar variation 4621325 (VCV004621325.1).